The following is an entry in ClinVar:

NM_001001415.4(ZNF429):c.1002A>T (p.Ile334=)

Gene: ZNF429 (zinc finger protein 429; plus strand). Cytogenetic location: 19p12.
Variant type: single nucleotide variant.
Coding change: c.1002A>T on transcript NM_001001415.4 (MANE Select); coding-DNA position 1002, A replaced by T.
Protein change: p.Ile334=; no amino-acid change (isoleucine 334 retained).
Molecular consequence: synonymous variant.
Genome position (GRCh38, 1-based): chr19:21,537,055, A>T. VCF-style: chr19-21537055-A-T. GRCh37 (hg19) VCF-style: chr19-21719857-A-T.
Other names: c.996A>T, p.Ile332= (NM_001346912.2); c.906A>T, p.Ile302= (NM_001346913.2, NM_001346914.2, NM_001346915.2); c.810A>T, p.Ile270= (NM_001346916.2).
Identifiers: ClinVar variation 4820832 (VCV004820832.4).
Genomic context (GRCh38, chr19:21,537,055, plus strand): 5'-ATGTAAAGAATGTGGCAAAGCCTTTAACCGGTCCTCAACCCTTACTAGCCATAAGAGAAT[A>T]CATACTGGTGAGAAACCCTACAAATGTGAAGAATGTGGCAAAGCCTTTAACTGGTCTTCA-3'
Protein context (NP_001001415.2, residues 324-344): RSSTLTSHKR[Ile334=]HTGEKPYKCE

ClinVar aggregate classification (germline): Likely benign (1 of 4 stars; one submission).

Submission:

CeGaT Center for Human Genetics Tuebingen
Classification: Likely benign. Last evaluated: 2026-01-01. Review status: criteria provided, single submitter. Criteria: CeGaT Center For Human Genetics Tuebingen Variant Classification Criteria Version 2. Collection method: clinical testing. Allele origin: germline. Affected: yes. Observed: 1 variant allele.
Comment: ZNF429: BP4, BP7